The following is an entry in ClinVar:

ClinVar aggregate classification (germline): Uncertain significance (1 of 4 stars; one submission).

Submission:

GeneDx
Classification: Uncertain significance. Last evaluated: 2025-09-12. Review status: criteria provided, single submitter. Criteria: GeneDx Variant Classification Process June 2021. Collection method: clinical testing. Allele origin: germline. Affected: yes.
Comment: Not observed at significant frequency in large population cohorts (gnomAD); In silico analysis supports a deleterious effect on splicing; Has not been previously published as pathogenic or benign to our knowledge

NM_197968.4(ZMYM2):c.2740-11T>A

Gene: ZMYM2 (zinc finger MYM-type containing 2; plus strand). Cytogenetic location: 13q12.11.
Variant type: single nucleotide variant.
Coding change: c.2740-11T>A on transcript NM_197968.4 (MANE Select); 11 bases into the intron before coding-DNA position 2740, T replaced by A.
Molecular consequence: intron variant.
Genome position (GRCh38, 1-based): chr13:20,061,042, T>A. VCF-style: chr13-20061042-T-A. GRCh37 (hg19) VCF-style: chr13-20635182-T-A.
Other names: c.2479-11T>A (NM_001353163.2); c.2740-11T>A (NM_001353157.2, NM_001353164.2, NM_001353159.2 and 5 more transcripts); c.2545-11T>A (NM_001353161.3).
Identifiers: ClinVar variation 4813408 (VCV004813408.1).